The following is an entry in ClinVar:

ClinVar aggregate classification (germline): Uncertain significance. Review status: criteria provided, multiple submitters, no conflicts (2 of 4 stars). 2 submissions from 2 submitters: Uncertain significance (2). Last evaluated 2022-02-01.

Allele frequency attached by ClinVar (database versions not stated): gnomAD exomes below 0.00001; ExAC 0.00001.
gnomAD v4.1: 1 of 1,611,536 alleles (0.000062%); highest among the groups gnomAD compares: Non-Finnish European, 0.000085%; no homozygotes.

Submissions (2):

Labcorp Genetics (formerly Invitae), Labcorp
Classification: Uncertain significance. Last evaluated: 2022-02-01. Review status: criteria provided, single submitter. Criteria: Invitae Variant Classification Sherloc (09022015). Collection method: clinical testing. Allele origin: germline.
Comment: This sequence change replaces serine, which is neutral and polar, with asparagine, which is neutral and polar, at codon 138 of the CYP4V2 protein (p.Ser138Asn). This variant also falls at the last nucleotide of exon 3, which is part of the consensus splice site for this exon. The frequency data for this variant in the population databases is considered unreliable, as metrics indicate poor data quality at this position in the gnomAD database. This missense change has been observed in individual(s) with Bietti crystalline corneoretinal dystrophy (PMID: 31960602). Algorithms developed to predict the effect of missense changes on protein structure and function are either unavailable or do not agree on the potential impact of this missense change (SIFT: "Deleterious"; PolyPhen-2: "Probably Damaging"; Align-GVGD: "Class C0"). Variants that disrupt the consensus splice site are a relatively common cause of aberrant splicing (PMID: 17576681, 9536098). Algorithms developed to predict the effect of sequence changes on RNA splicing suggest that this variant may disrupt the consensus splice site. In summary, the available evidence is currently insufficient to determine the role of this variant in disease. Therefore, it has been classified as a Variant of Uncertain Significance.

Blueprint Genetics
Classification: Uncertain significance. Last evaluated: 2021-06-24. Review status: criteria provided, single submitter. Criteria: ACMG Guidelines, 2015. Collection method: clinical testing. Allele origin: germline.

Literature cited by the submitters: PubMed 31960602 (cited by Labcorp Genetics (formerly Invitae), Labcorp); PubMed 17576681 (cited by Labcorp Genetics (formerly Invitae), Labcorp); PubMed 9536098 (cited by Labcorp Genetics (formerly Invitae), Labcorp).

NM_207352.4(CYP4V2):c.413G>A (p.Ser138Asn)

Gene: CYP4V2 (cytochrome P450 family 4 subfamily V member 2; plus strand). Cytogenetic location: 4q35.1.
Variant type: single nucleotide variant.
Coding change: c.413G>A on transcript NM_207352.4 (MANE Select); coding-DNA position 413, G replaced by A.
Protein change: p.Ser138Asn; replaces serine 138 with asparagine.
Molecular consequence: missense variant.
Genome position (GRCh38, 1-based): chr4:186,196,088, G>A. VCF-style: chr4-186196088-G-A. GRCh37 (hg19) VCF-style: chr4-187117242-G-A.
Other names: short protein forms S138N.
Identifiers: ClinVar variation 1916259 (VCV001916259.6), dbSNP rs764970229, ClinGen allele CA3162535.